The following is an entry in ClinVar:

ClinVar aggregate classification (germline): Uncertain significance (1 of 4 stars; one submission).

Conditions:
Developmental and epileptic encephalopathy, 31A. Also called: Epileptic encephalopathy, early infantile, 31; Developmental and epileptic encephalopathy, 31. Identifiers: Orphanet 2382, MedGen C4225357, MONDO:0014598, OMIM 616346.

Submission:

Labcorp Genetics (formerly Invitae), Labcorp
Classification: Uncertain significance for Developmental and epileptic encephalopathy, 31A. Last evaluated: 2024-05-11. Review status: criteria provided, single submitter. Criteria: Invitae Variant Classification Sherloc (09022015). Collection method: clinical testing. Allele origin: germline.
Comment: This variant, c.2034_2051del, is a complex sequence change that results in the deletion of 7 and insertion of 1 amino acid(s) in the DNM1 protein (p.Arg678_Thr684delinsSer). This variant is not present in population databases (gnomAD no frequency). This variant has not been reported in the literature in individuals affected with DNM1-related conditions. Experimental studies and prediction algorithms are not available or were not evaluated, and the functional significance of this variant is currently unknown. In summary, the available evidence is currently insufficient to determine the role of this variant in disease. Therefore, it has been classified as a Variant of Uncertain Significance.

NM_004408.4(DNM1):c.2034_2051del (p.Arg678_Thr684delinsSer)

Gene: DNM1 (dynamin 1; plus strand). Cytogenetic location: 9q34.11.
Variant type: Deletion.
Coding change: c.2034_2051del on transcript NM_004408.4 (MANE Select); coding-DNA positions 2034 to 2051, 18 bases deleted (GGACCTCATGCCCAAGAC).
Protein change: p.Arg678_Thr684delinsSer.
Molecular consequence: inframe indel.
Genome position (GRCh38, 1-based): chr9:128,248,711-128,248,728, GGACCTCATGCCCAAGAC deleted. VCF-style (leftmost placement, unchanged base first): chr9-128248710-GGGACCTCATGCCCAAGAC-G. GRCh37 (hg19) VCF-style: chr9-131010989-GGGACCTCATGCCCAAGAC-G.
Other names: c.2034_2051del, p.Arg678_Thr684delinsSer (NM_001005336.3, NM_001288737.2, NM_001288738.2 and 2 more transcripts).
Identifiers: ClinVar variation 3653040 (VCV003653040.2).